The following is an entry in ClinVar:

NM_004260.4(RECQL4):c.1621-3C>T

Gene: RECQL4 (RecQ like helicase 4; minus strand). Cytogenetic location: 8q24.3.
Variant type: single nucleotide variant.
Coding change: c.1621-3C>T on transcript NM_004260.4 (MANE Select); 3 bases into the intron before coding-DNA position 1621, C replaced by T.
Molecular consequence: intron variant.
Genome position (GRCh38, 1-based): chr8:144,514,528, G>A on the plus strand (C>T on the coding strand, the complement: RECQL4 is on the minus strand). VCF-style: chr8-144514528-G-A. GRCh37 (hg19) VCF-style: chr8-145739912-G-A.
Other names: c.1492-3C>T (NM_001413025.1); c.1270-3C>T (NM_001413029.1); c.484-3C>T (NM_001413032.1, NM_001413027.1, NM_001413031.1 and 2 more transcripts); c.550-3C>T (NM_001413035.1, NM_001413040.1, NM_001413021.1 and 7 more transcripts); c.1525-3C>T (NM_001413017.1, NM_001413020.1); c.1591-3C>T (NM_001413039.1); c.1621-3C>T (NM_001413033.1, NM_001413018.1, NM_001413036.1 and 1 more transcripts); c.154-3C>T (NM_001413043.1); and 1 more.
Identifiers: ClinVar variation 2730945 (VCV002730945.3), dbSNP rs1827866210, ClinGen allele CA2689135829.

ClinVar aggregate classification (germline): Uncertain significance (1 of 4 stars; one submission).

Conditions:
Baller-Gerold syndrome (BGS). Also called: CRANIOSYNOSTOSIS WITH RADIAL DEFECTS. Identifiers: Orphanet 1225, MedGen C0265308, MONDO:0009039, OMIM 218600.

Allele frequency attached by ClinVar (database versions not stated): gnomAD exomes below 0.00001.
gnomAD v4.1: 1 of 1,610,642 alleles (0.000062%); highest among the groups gnomAD compares: South Asian, 0.0011%; no homozygotes.

Submission:

Labcorp Genetics (formerly Invitae), Labcorp
Classification: Uncertain significance for Baller-Gerold syndrome. Last evaluated: 2023-10-03. Review status: criteria provided, single submitter. Criteria: Invitae Variant Classification Sherloc (09022015). Collection method: clinical testing. Allele origin: germline.
Comment: This sequence change falls in intron 9 of the RECQL4 gene. It does not directly change the encoded amino acid sequence of the RECQL4 protein. It affects a nucleotide within the consensus splice site. This variant is not present in population databases (gnomAD no frequency). This variant has not been reported in the literature in individuals affected with RECQL4-related conditions. Variants that disrupt the consensus splice site are a relatively common cause of aberrant splicing (PMID: 17576681, 9536098). Algorithms developed to predict the effect of sequence changes on RNA splicing suggest that this variant is not likely to affect RNA splicing. In summary, the available evidence is currently insufficient to determine the role of this variant in disease. Therefore, it has been classified as a Variant of Uncertain Significance.

Literature cited by the submitters: PubMed 17576681; PubMed 9536098.